The following is an entry in ClinVar:

NM_000528.4(MAN2B1):c.2065G>A (p.Val689Met)

Gene: MAN2B1 (mannosidase alpha class 2B member 1; minus strand). Cytogenetic location: 19p13.13.
Variant type: single nucleotide variant.
Coding change: c.2065G>A on transcript NM_000528.4 (MANE Select); coding-DNA position 2065, G replaced by A.
Protein change: p.Val689Met; replaces valine 689 with methionine.
Molecular consequence: missense variant.
Genome position (GRCh38, 1-based): chr19:12,650,204, C>T on the plus strand (G>A on the coding strand, the complement: MAN2B1 is on the minus strand). VCF-style: chr19-12650204-C-T. GRCh37 (hg19) VCF-style: chr19-12761018-C-T.
Other names: c.2062G>A, p.Val688Met (NM_001173498.2); short protein forms V688M, V689M.
Identifiers: ClinVar variation 1501960 (VCV001501960.5), dbSNP rs778745390, ClinGen allele CA9226205.
Genomic context (GRCh38, chr19:12,650,204, plus strand): 5'-GCCGCTGTCCTGGGTACAGGCGAACCACCTGGGAACACCAAGCTGAGAAGTTCTGGTGCA[C>T]CTCCTGCACCAAGGGTGTCTGCGGGCACACGGGTGAGGTGGATGTCAGTCTGTACCTGAG-3'
Protein context (NP_000519.2, residues 679-699): HLVKTPLVQE[Val689Met]HQNFSAWCSQ

ClinVar aggregate classification (germline): Uncertain significance (1 of 4 stars; one submission).

Conditions:
Deficiency of alpha-mannosidase (MANSA). Also called: Alpha-Mannosidosis; LYSOSOMAL ALPHA-D-MANNOSIDASE DEFICIENCY; Mannosidosis, alpha-, types I and II. Identifiers: Orphanet 61, MedGen C0024748, MONDO:0009561, OMIM 248500.

Allele frequency attached by ClinVar (database versions not stated): ExAC 0.00001; gnomAD 0.00001; gnomAD exomes 0.00003.
gnomAD v4.1: 11 of 1,610,744 alleles (0.00068%); highest among the groups gnomAD compares: Admixed American, 0.013%; no homozygotes.

Submission:

Labcorp Genetics (formerly Invitae), Labcorp
Classification: Uncertain significance for Deficiency of alpha-mannosidase. Last evaluated: 2022-06-20. Review status: criteria provided, single submitter. Criteria: Invitae Variant Classification Sherloc (09022015). Collection method: clinical testing. Allele origin: germline.
Comment: This sequence change replaces valine, which is neutral and non-polar, with methionine, which is neutral and non-polar, at codon 689 of the MAN2B1 protein (p.Val689Met). This variant is present in population databases (rs778745390, gnomAD 0.02%). This variant has not been reported in the literature in individuals affected with MAN2B1-related conditions. Algorithms developed to predict the effect of missense changes on protein structure and function are either unavailable or do not agree on the potential impact of this missense change (SIFT: "Deleterious"; PolyPhen-2: "Probably Damaging"; Align-GVGD: "Class C0"). In summary, the available evidence is currently insufficient to determine the role of this variant in disease. Therefore, it has been classified as a Variant of Uncertain Significance.